The following is an entry in ClinVar:

NM_004329.3(BMPR1A):c.362C>G (p.Thr121Arg)

Gene: BMPR1A (bone morphogenetic protein receptor type 1A; plus strand). Cytogenetic location: 10q23.2.
Variant type: single nucleotide variant.
Coding change: c.362C>G on transcript NM_004329.3 (MANE Select); coding-DNA position 362, C replaced by G.
Protein change: p.Thr121Arg; replaces threonine 121 with arginine.
Molecular consequence: missense variant. On other transcripts: non-coding transcript variant (3), intron variant (1).
Genome position (GRCh38, 1-based): chr10:86,899,822, C>G. VCF-style: chr10-86899822-C-G. GRCh37 (hg19) VCF-style: chr10-88659579-C-G.
Other names: c.362C>G, p.Thr121Arg (NM_001406577.1, NM_001406578.1, NM_001406579.1 and 22 more transcripts); c.278C>G, p.Thr93Arg (NM_001406584.1, NM_001406585.1, NM_001406586.1 and 2 more transcripts); c.333+7593C>G (NM_001406589.1); short protein forms T121R, T93R.
Identifiers: ClinVar variation 3481240 (VCV003481240.3).
Genomic context (GRCh38, chr10:86,899,822, plus strand): 5'-CATTTCTAATTTTATCATTACTCTTCTTTTAGGATTCTCCAAAAGCCCAGCTACGCCGGA[C>G]AATAGAATGTTGTCGGACCAATTTATGTAACCAGTATTTGCAACCCACACTGCCCCCTGT-3'
Protein context (NP_004320.2, residues 111-131): KDSPKAQLRR[Thr121Arg]IECCRTNLCN

ClinVar aggregate classification (germline): Uncertain significance. Review status: criteria provided, multiple submitters, no conflicts (2 of 4 stars). 2 submissions from 2 submitters: Uncertain significance (2). Last evaluated 2026-07-16.

Conditions:
Hereditary cancer-predisposing syndrome. Also called: Hereditary neoplastic syndrome; Neoplastic Syndromes, Hereditary; Tumor predisposition; Hereditary Cancer Syndrome. Identifiers: Orphanet 140162, MedGen C0027672, MeSH D009386, MONDO:0015356.
Juvenile polyposis syndrome (JPS). Identifiers: Orphanet 2929, MedGen C0345893, MONDO:0017380, OMIM 174900.

Submissions (2):

Ambry Genetics
Classification: Uncertain significance for Hereditary cancer-predisposing syndrome. Last evaluated: 2026-07-16. Review status: criteria provided, single submitter. Criteria: Ambry Variant Classification Scheme 2023. Collection method: clinical testing. Allele origin: germline.
Comment: The p.T121R variant (also known as c.362C>G), located in coding exon 4 of the BMPR1A gene, results from a C to G substitution at nucleotide position 362. The threonine at codon 121 is replaced by arginine, an amino acid with similar properties. This amino acid position is conserved. In addition, this alteration is predicted to be deleterious by in silico analysis. Based on the available evidence, the clinical significance of this variant remains unclear.

Labcorp Genetics (formerly Invitae), Labcorp
Classification: Uncertain significance for Juvenile polyposis syndrome. Last evaluated: 2025-08-03. Review status: criteria provided, single submitter. Criteria: Invitae Variant Classification Sherloc (09022015). Collection method: clinical testing. Allele origin: germline.
Comment: This sequence change replaces threonine, which is neutral and polar, with arginine, which is basic and polar, at codon 121 of the BMPR1A protein (p.Thr121Arg). This variant is not present in population databases (gnomAD no frequency). This variant has not been reported in the literature in individuals affected with BMPR1A-related conditions. ClinVar contains an entry for this variant (Variation ID: 3481240). Invitae Evidence Modeling of protein sequence and biophysical properties (such as structural, functional, and spatial information, amino acid conservation, physicochemical variation, residue mobility, and thermodynamic stability) indicates that this missense variant is not expected to disrupt BMPR1A protein function with a negative predictive value of 80%. In summary, the available evidence is currently insufficient to determine the role of this variant in disease. Therefore, it has been classified as a Variant of Uncertain Significance.